The following is an entry in ClinVar:

ClinVar aggregate classification (germline): Uncertain significance. Review status: criteria provided, multiple submitters, no conflicts (2 of 4 stars). 2 submissions from 2 submitters: Uncertain significance (2). Last evaluated 2025-01-21.

Conditions:
Hereditary cancer-predisposing syndrome. Also called: Hereditary neoplastic syndrome; Neoplastic Syndromes, Hereditary; Hereditary Cancer Syndrome; Tumor predisposition. Identifiers: Orphanet 140162, MedGen C0027672, MeSH D009386, MONDO:0015356.
Neuroblastoma, susceptibility to, 3. Also called: ALK-Related Neuroblastic Tumor Susceptibility. Identifiers: Orphanet 635, MedGen C2751681, MONDO:0013083, OMIM 613014.

Submissions (2):

Ambry Genetics
Classification: Uncertain significance for Hereditary cancer-predisposing syndrome. Last evaluated: 2025-01-21. Review status: criteria provided, single submitter. Criteria: Ambry Variant Classification Scheme 2023. Collection method: clinical testing. Allele origin: germline.
Comment: The p.M1199I variant (also known as c.3597G>T), located in coding exon 23 of the ALK gene, results from a G to T substitution at nucleotide position 3597. The methionine at codon 1199 is replaced by isoleucine, an amino acid with highly similar properties. This amino acid position is highly conserved in available vertebrate species. In addition, this alteration is predicted to be deleterious by in silico analysis. Based on the available evidence, the clinical significance of this variant remains unclear.

Labcorp Genetics (formerly Invitae), Labcorp
Classification: Uncertain significance for Neuroblastoma, susceptibility to, 3. Last evaluated: 2022-10-04. Review status: criteria provided, single submitter. Criteria: Invitae Variant Classification Sherloc (09022015). Collection method: clinical testing. Allele origin: germline.
Comment: This sequence change replaces methionine, which is neutral and non-polar, with isoleucine, which is neutral and non-polar, at codon 1199 of the ALK protein (p.Met1199Ile). This variant is not present in population databases (gnomAD no frequency). This variant has not been reported in the literature in individuals affected with ALK-related conditions. ClinVar contains an entry for this variant (Variation ID: 1390312). Algorithms developed to predict the effect of missense changes on protein structure and function are either unavailable or do not agree on the potential impact of this missense change (SIFT: "Deleterious"; PolyPhen-2: "Possibly Damaging"; Align-GVGD: "Class C0"). In summary, the available evidence is currently insufficient to determine the role of this variant in disease. Therefore, it has been classified as a Variant of Uncertain Significance.

NM_004304.5(ALK):c.3597G>T (p.Met1199Ile)

Gene: ALK (ALK receptor tyrosine kinase; minus strand). Cytogenetic location: 2p23.2.
Variant type: single nucleotide variant.
Coding change: c.3597G>T on transcript NM_004304.5 (MANE Select); coding-DNA position 3597, G replaced by T.
Protein change: p.Met1199Ile; replaces methionine 1199 with isoleucine.
Molecular consequence: missense variant.
Genome position (GRCh38, 1-based): chr2:29,220,754, C>A on the plus strand (G>T on the coding strand, the complement: ALK is on the minus strand). VCF-style: chr2-29220754-C-A. GRCh37 (hg19) VCF-style: chr2-29443620-C-A.
Other names: c.393G>T, p.Met131Ile (NM_001353765.2); c.3597G>T (NM_004304.4); short protein forms M131I, M1199I.
Identifiers: ClinVar variation 1390312 (VCV001390312.7), dbSNP rs1669779479, ClinGen allele CA346473037.
Genomic context (GRCh38, chr2:29,220,754, plus strand): 5'-GTTCTCACTCACCGGGCGAGGGCGGGTCTCTCGGAGGAAGGACTTGAGGTCTCCCCCCGC[C>A]ATGAGCTCCAGCAGGATGAACCGGGGCAGGGATTGCAGGCTCACCCCAATGCAGCGAACA-3'
Protein context (NP_004295.2, residues 1189-1209): SLPRFILLEL[Met1199Ile]AGGDLKSFLR